The following is an entry in ClinVar:

NM_000701.8(ATP1A1):c.1244C>T (p.Ser415Leu)

Gene: ATP1A1 (ATPase Na+/K+ transporting subunit alpha 1; plus strand). Cytogenetic location: 1p13.1.
Variant type: single nucleotide variant.
Coding change: c.1244C>T on transcript NM_000701.8 (MANE Select); coding-DNA position 1244, C replaced by T.
Protein change: p.Ser415Leu; replaces serine 415 with leucine.
Molecular consequence: missense variant.
Genome position (GRCh38, 1-based): chr1:116,390,803, C>T. VCF-style: chr1-116390803-C-T. GRCh37 (hg19) VCF-style: chr1-116933425-C-T.
Other names: c.1244C>T, p.Ser415Leu (NM_001160233.2); c.1151C>T, p.Ser384Leu (NM_001160234.2); short protein forms S384L, S415L.
Identifiers: ClinVar variation 1902081 (VCV001902081.5), dbSNP rs1652407672, ClinGen allele CA341844780.

ClinVar aggregate classification (germline): Uncertain significance (1 of 4 stars; one submission).

Allele frequency attached by ClinVar (database versions not stated): gnomAD exomes below 0.00001.
gnomAD v4.1: 3 of 1,614,164 alleles (0.00019%); highest among the groups gnomAD compares: Non-Finnish European, 0.00025%; no homozygotes.

Submission:

Labcorp Genetics (formerly Invitae), Labcorp
Classification: Uncertain significance. Last evaluated: 2022-07-06. Review status: criteria provided, single submitter. Criteria: Invitae Variant Classification Sherloc (09022015). Collection method: clinical testing. Allele origin: germline.
Comment: In summary, the available evidence is currently insufficient to determine the role of this variant in disease. Therefore, it has been classified as a Variant of Uncertain Significance. Advanced modeling of protein sequence and biophysical properties (such as structural, functional, and spatial information, amino acid conservation, physicochemical variation, residue mobility, and thermodynamic stability) performed at Invitae indicates that this missense variant is not expected to disrupt ATP1A1 protein function. This variant has not been reported in the literature in individuals affected with ATP1A1-related conditions. This variant is not present in population databases (gnomAD no frequency). This sequence change replaces serine, which is neutral and polar, with leucine, which is neutral and non-polar, at codon 415 of the ATP1A1 protein (p.Ser415Leu).